The following is an entry in ClinVar:

NM_000834.5(GRIN2B):c.4264C>G (p.Arg1422Gly)

Gene: GRIN2B (glutamate ionotropic receptor NMDA type subunit 2B; minus strand). Cytogenetic location: 12p13.1.
Variant type: single nucleotide variant.
Coding change: c.4264C>G on transcript NM_000834.5 (MANE Select); coding-DNA position 4264, C replaced by G.
Protein change: p.Arg1422Gly; replaces arginine 1422 with glycine.
Molecular consequence: missense variant.
Genome position (GRCh38, 1-based): chr12:13,562,974, G>C on the plus strand (C>G on the coding strand, the complement: GRIN2B is on the minus strand). VCF-style: chr12-13562974-G-C. GRCh37 (hg19) VCF-style: chr12-13715908-G-C.
Other names: c.4264C>G, p.Arg1422Gly (NM_001413992.1); short protein forms R1422G.
Identifiers: ClinVar variation 2946308 (VCV002946308.3), dbSNP rs773278200, ClinGen allele CA383985731.

ClinVar aggregate classification (germline): Uncertain significance (1 of 4 stars; one submission).

Conditions:
Intellectual developmental disorder, autosomal dominant 6, with or without seizures. Also called: GRIN2B-related developmental delay, intellectual disability and autism spectrum disorder; Intellectual disability, autosomal dominant 6. Identifiers: Orphanet 589547, MedGen C3151411, MONDO:0013509, OMIM 613970.
Developmental and epileptic encephalopathy, 27 (DEE27). Also called: Epileptic encephalopathy, early infantile, 27; GRIN2B-Related Neurodevelopmental Disorder. Identifiers: Orphanet 3451, MedGen C4015316, MONDO:0014505, OMIM 616139.

Submission:

Labcorp Genetics (formerly Invitae), Labcorp
Classification: Uncertain significance for Developmental and epileptic encephalopathy, 27; Intellectual developmental disorder, autosomal dominant 6, with or without seizures. Last evaluated: 2023-04-07. Review status: criteria provided, single submitter. Criteria: Invitae Variant Classification Sherloc (09022015). Collection method: clinical testing. Allele origin: germline.
Comment: This sequence change replaces arginine, which is basic and polar, with glycine, which is neutral and non-polar, at codon 1422 of the GRIN2B protein (p.Arg1422Gly). This variant is not present in population databases (gnomAD no frequency). This variant has not been reported in the literature in individuals affected with GRIN2B-related conditions. In summary, the available evidence is currently insufficient to determine the role of this variant in disease. Therefore, it has been classified as a Variant of Uncertain Significance. Advanced modeling of protein sequence and biophysical properties (such as structural, functional, and spatial information, amino acid conservation, physicochemical variation, residue mobility, and thermodynamic stability) performed at Invitae indicates that this missense variant is not expected to disrupt GRIN2B protein function.